The following is an entry in ClinVar:

NM_000890.5(KCNJ5):c.670C>T (p.Leu224Phe)

Gene: KCNJ5 (potassium inwardly rectifying channel subfamily J member 5; plus strand). Cytogenetic location: 11q24.3.
Variant type: single nucleotide variant.
Coding change: c.670C>T on transcript NM_000890.5 (MANE Select); coding-DNA position 670, C replaced by T.
Protein change: p.Leu224Phe; replaces leucine 224 with phenylalanine.
Molecular consequence: missense variant.
Genome position (GRCh38, 1-based): chr11:128,911,943, C>T. VCF-style: chr11-128911943-C-T. GRCh37 (hg19) VCF-style: chr11-128781838-C-T.
Other names: c.670C>T, p.Leu224Phe (NM_001354169.2); short protein forms L224F.
Identifiers: ClinVar variation 1351694 (VCV001351694.8), dbSNP rs2135999392, ClinGen allele CA383249593.

ClinVar aggregate classification (germline): Uncertain significance (1 of 4 stars; one submission).

Conditions:
Long QT syndrome (LQTS). Identifiers: MedGen C0023976, MeSH D008133, MONDO:0002442. Disease mechanism: loss of function. Inheritance: Various modes of inheritance.

Submission:

Labcorp Genetics (formerly Invitae), Labcorp
Classification: Uncertain significance for Long QT syndrome. Last evaluated: 2021-05-05. Review status: criteria provided, single submitter. Criteria: Invitae Variant Classification Sherloc (09022015). Collection method: clinical testing. Allele origin: germline.
Comment: In summary, the available evidence is currently insufficient to determine the role of this variant in disease. Therefore, it has been classified as a Variant of Uncertain Significance. Advanced modeling of protein sequence and biophysical properties (such as structural, functional, and spatial information, amino acid conservation, physicochemical variation, residue mobility, and thermodynamic stability) performed at Invitae indicates that this missense variant is expected to disrupt KCNJ5 protein function. This variant has not been reported in the literature in individuals with KCNJ5-related conditions. This variant is not present in population databases (ExAC no frequency). This sequence change replaces leucine with phenylalanine at codon 224 of the KCNJ5 protein (p.Leu224Phe). The leucine residue is moderately conserved and there is a small physicochemical difference between leucine and phenylalanine.